The following is an entry in ClinVar:

NM_198525.3(KIF7):c.3842G>T (p.Ser1281Ile)

Gene: KIF7 (kinesin family member 7; minus strand). Cytogenetic location: 15q26.1.
Variant type: single nucleotide variant.
Coding change: c.3842G>T on transcript NM_198525.3 (MANE Select); coding-DNA position 3842, G replaced by T.
Protein change: p.Ser1281Ile; replaces serine 1281 with isoleucine.
Molecular consequence: missense variant.
Genome position (GRCh38, 1-based): chr15:89,628,609, C>A on the plus strand (G>T on the coding strand, the complement: KIF7 is on the minus strand). VCF-style: chr15-89628609-C-A. GRCh37 (hg19) VCF-style: chr15-90171840-C-A.
Other names: short protein forms S1281I.
Identifiers: ClinVar variation 596874 (VCV000596874.62), dbSNP rs143877028, ClinGen allele CA7727508.
Genomic context (GRCh38, chr15:89,628,609, plus strand): 5'-GGCTCAGCCGCCTCCCGCTGCCTCAGTTCCTCGGGGGACCCCTGCTCCTCACCACACAGG[C>A]TCGAGCGTTTCCAGGTCAAGGGTAACGGAGCGTGGACCAAGTCCCGCGTCTCCTCCCGGG-3'
Protein context (NP_940927.2, residues 1271-1291): APLPLTWKRS[Ser1281Ile]LCGEEQGSPE

ClinVar aggregate classification (germline): Conflicting classifications of pathogenicity. Review status: criteria provided, conflicting classifications (1 of 4 stars). 8 submissions from 8 submitters: Uncertain significance (3); Likely benign (5). Last evaluated 2026-01-05.

Conditions:
Multiple epiphyseal dysplasia, Al-Gazali type. Also called: Macrocephaly with multiple epiphyseal dysplasia and distinctive facies. Identifiers: Orphanet 166024, MedGen C1846722, MONDO:0011778, OMIM 607131.
KIF7-related disorder. Also called: KIF7-related condition.
Acrocallosal syndrome (ACLS). Also called: HALLUX DUPLICATION, POSTAXIAL POLYDACTYLY, AND ABSENCE OF CORPUS CALLOSUM; Schinzel syndrome 1; Absence of corpus callosum with unusual facial appearance, mental deficiency, duplication of the halluces and polydactyly. Identifiers: Orphanet 36, MedGen C0796147, MONDO:0008708, OMIM 200990.

Allele frequency attached by ClinVar (database versions not stated): gnomAD exomes 0.00013 and 0.00032; ExAC 0.00033; ESP Exome Variant Server 0.00115; gnomAD 0.00137 and 0.00144; TOPMed 0.00149; 1000 Genomes Project 30x 0.00187; 1000 Genomes Project 0.00200.
gnomAD v4.1: 402 of 1,613,460 alleles (0.025%); highest among the groups gnomAD compares: African/African-American, 0.46%; 2 homozygotes.

Submissions (8):

Labcorp Genetics (formerly Invitae), Labcorp
Classification: Likely benign for Acrocallosal syndrome. Last evaluated: 2026-01-05. Review status: criteria provided, single submitter. Criteria: Invitae Variant Classification Sherloc (09022015). Collection method: clinical testing. Allele origin: germline.

Women's Health and Genetics/Laboratory Corporation of America, LabCorp
Classification: Likely benign. Last evaluated: 2024-12-26. Review status: criteria provided, single submitter. Criteria: LabCorp Variant Classification Summary - May 2015. Collection method: clinical testing. Allele origin: germline.
Comment: Variant summary: KIF7 c.3842G>T (p.Ser1281Ile) results in a non-conservative amino acid change in the encoded protein sequence. Four of five in-silico tools predict a damaging effect of the variant on protein function. The variant allele was found at a frequency of 0.00025 in 1606488 control chromosomes, predominantly at a frequency of 0.0046 within the African or African-American subpopulation in the gnomAD database, including 2 homozygotes. The observed variant frequency within African or African-American control individuals in the gnomAD database exceeds the estimated maximal expected allele frequency for a pathogenic variant in KIF7 causing Acrocallosal Syndrome/Joubert Syndrome 12 phenotype. The variant, c.3842G>T, has been reported in the literature in a compounf heterozygous individual affected with thoracic insufficiency syndrome (Strong_2023), and in heterozygous state in a patient affected with gastrointestinal tract malformations (Keskek_2022). These reports do not provide unequivocal conclusions about association of the variant with Acrocallosal Syndrome/Joubert Syndrome 12. To our knowledge, no experimental evidence demonstrating an impact on protein function has been reported. The following publications have been ascertained in the context of this evaluation (PMID: 35770050, 36653407). ClinVar contains an entry for this variant (Variation ID: 596874). Based on the evidence outlined above, the variant was classified as likely benign.

PreventionGenetics, part of Exact Sciences
Classification: Likely benign for KIF7-related condition. Last evaluated: 2024-11-20. Review status: criteria provided, single submitter. Criteria: ACMG Guidelines, 2015. Collection method: clinical testing. Allele origin: germline.
Comment: This variant is classified as likely benign based on ACMG/AMP sequence variant interpretation guidelines (Richards et al. 2015 PMID: 25741868, with internal and published modifications).

Blueprint Genetics
Classification: Likely benign. Last evaluated: 2024-08-06. Review status: criteria provided, single submitter. Criteria: ACMG Guidelines, 2015. Collection method: clinical testing. Allele origin: germline.

GeneDx
Classification: Likely benign. Last evaluated: 2020-12-21. Review status: criteria provided, single submitter. Criteria: GeneDx Variant Classification Process June 2021. Collection method: clinical testing. Allele origin: germline. Affected: yes.
Comment: In silico analysis, which includes protein predictors and evolutionary conservation, supports a deleterious effect; Has not been previously published as pathogenic or benign to our knowledge

CeGaT Center for Human Genetics Tuebingen
Classification: Uncertain significance. Last evaluated: 2019-09-01. Review status: criteria provided, single submitter. Criteria: CeGaT Center For Human Genetics Tuebingen Variant Classification Criteria Version 2. Collection method: clinical testing. Allele origin: germline. Affected: yes. Observed: 1 variant allele.

Eurofins Ntd Llc (ga)
Classification: Uncertain significance. Last evaluated: 2018-05-02. Review status: criteria provided, single submitter. Criteria: EGL ClinVar v180209 classification definitions. Collection method: clinical testing. Allele origin: germline. Observed: 1 variant allele, 1 heterozygote.

Baylor Genetics
Classification: Uncertain significance for Multiple epiphyseal dysplasia, Al-Gazali type. Last evaluated: 2018-04-17. Review status: criteria provided, single submitter. Criteria: ACMG Guidelines, 2015. Collection method: clinical testing. Allele origin: paternal. Affected: yes.
Comment: This variant was determined to be of uncertain significance according to ACMG Guidelines, 2015 [PMID:25741868].

Literature cited by the submitters: PubMed 35770050 (cited by Women's Health and Genetics/Laboratory Corporation of America, LabCorp); PubMed 36653407 (cited by Women's Health and Genetics/Laboratory Corporation of America, LabCorp).